The following is an entry in ClinVar:

NM_000059.4(BRCA2):c.7618-516_7653del

Gene: BRCA2 (BRCA2 DNA repair associated; plus strand). Cytogenetic location: 13q13.1.
Variant type: Deletion.
Coding change: c.7618-516_7653del on transcript NM_000059.4 (MANE Select); 516 bases into the intron before coding-DNA position 7618 through coding-DNA position 7653, 552 bases deleted.
Molecular consequence: splice acceptor variant.
Genome position (GRCh38, 1-based): chr13:32,357,226-32,357,777, 552 bases deleted. GRCh37 (hg19): chr13:32,931,363-32,931,914.
Identifiers: ClinVar variation 1998278 (VCV001998278.4), dbSNP rs2548542117, ClinGen allele CA2580087492.

ClinVar aggregate classification (germline): Likely pathogenic (1 of 4 stars; one submission).

Conditions:
Hereditary breast ovarian cancer syndrome. Also called: Breast and ovarian cancer; Hereditary breast and ovarian cancer syndrome; BRCA1- and BRCA2-Associated Hereditary Breast and Ovarian Cancer; Hereditary breast and ovarian cancer syndrome (HBOC); Hereditary breast and/or ovarian cancer syndrome; Hereditary breast and ovarian cancer. Identifiers: Orphanet 145, MedGen C0677776, MeSH D061325, MONDO:0003582. Disease mechanism: loss of function.

Submission:

Labcorp Genetics (formerly Invitae), Labcorp
Classification: Likely pathogenic for Hereditary breast ovarian cancer syndrome. Last evaluated: 2023-06-27. Review status: criteria provided, single submitter. Criteria: Invitae Variant Classification Sherloc (09022015). Collection method: clinical testing. Allele origin: germline.
Comment: This variant results in the deletion of part of exon 16 (c.7618-518_7651del) of the BRCA2 gene. It is expected to disrupt RNA splicing. Variants that disrupt the donor or acceptor splice site typically lead to a loss of protein function (PMID: 16199547), and loss-of-function variants in BRCA2 are known to be pathogenic (PMID: 20104584). In summary, the currently available evidence indicates that the variant is pathogenic, but additional data are needed to prove that conclusively. Therefore, this variant has been classified as Likely Pathogenic. This variant has not been reported in the literature in individuals affected with BRCA2-related conditions. This variant is not present in population databases (gnomAD no frequency).

Literature cited by the submitters: PubMed 16199547; PubMed 20104584.